The following is an entry in ClinVar:

ClinVar aggregate classification (germline): Uncertain significance (1 of 4 stars; one submission).

Allele frequency attached by ClinVar (database versions not stated): TOPMed below 0.00001; gnomAD exomes 0.00001.
gnomAD v4.1: 4 of 1,591,756 alleles (0.00025%); highest among the groups gnomAD compares: Admixed American, 0.0071%; no homozygotes.

Submission:

Labcorp Genetics (formerly Invitae), Labcorp
Classification: Uncertain significance. Last evaluated: 2024-09-26. Review status: criteria provided, single submitter. Criteria: Invitae Variant Classification Sherloc (09022015). Collection method: clinical testing. Allele origin: germline.
Comment: This sequence change replaces glutamic acid, which is acidic and polar, with valine, which is neutral and non-polar, at codon 134 of the DVL1 protein (p.Glu134Val). This variant is present in population databases (no rsID available, gnomAD 0.01%). This variant has not been reported in the literature in individuals affected with DVL1-related conditions. ClinVar contains an entry for this variant (Variation ID: 1361483). Invitae Evidence Modeling of protein sequence and biophysical properties (such as structural, functional, and spatial information, amino acid conservation, physicochemical variation, residue mobility, and thermodynamic stability) indicates that this missense variant is not expected to disrupt DVL1 protein function with a negative predictive value of 80%. In summary, the available evidence is currently insufficient to determine the role of this variant in disease. Therefore, it has been classified as a Variant of Uncertain Significance.

NM_001330311.2(DVL1):c.401A>T (p.Glu134Val)

Gene: DVL1 (dishevelled segment polarity protein 1; minus strand). Cytogenetic location: 1p36.33.
Variant type: single nucleotide variant.
Coding change: c.401A>T on transcript NM_001330311.2 (MANE Select); coding-DNA position 401, A replaced by T.
Protein change: p.Glu134Val; replaces glutamic acid 134 with valine.
Molecular consequence: missense variant.
Genome position (GRCh38, 1-based): chr1:1,342,118, T>A on the plus strand (A>T on the coding strand, the complement: DVL1 is on the minus strand). VCF-style: chr1-1342118-T-A. GRCh37 (hg19) VCF-style: chr1-1277498-T-A.
Other names: c.401A>T, p.Glu134Val (NM_004421.3); short protein forms E134V.
Identifiers: ClinVar variation 1361483 (VCV001361483.6), dbSNP rs995295861, ClinGen allele CA16760102.